The following is an entry in ClinVar:

NM_004999.4(MYO6):c.993T>A (p.Asp331Glu)

Gene: MYO6 (myosin VI; plus strand). Cytogenetic location: 6q14.1.
Variant type: single nucleotide variant.
Coding change: c.993T>A on transcript NM_004999.4 (MANE Select); coding-DNA position 993, T replaced by A.
Protein change: p.Asp331Glu; replaces aspartic acid 331 with glutamic acid.
Molecular consequence: missense variant. On other transcripts: non-coding transcript variant (1).
Genome position (GRCh38, 1-based): chr6:75,848,446, T>A. VCF-style: chr6-75848446-T-A. GRCh37 (hg19) VCF-style: chr6-76558163-T-A.
Other names: c.993T>A, p.Asp331Glu (NM_001300899.2, NM_001368136.1, NM_001368137.1 and 2 more transcripts); c.978T>A, p.Asp326Glu (NM_001368138.1); short protein forms D326E, D331E.
Identifiers: ClinVar variation 1313481 (VCV001313481.4), dbSNP rs757488387, ClinGen allele CA3897013.
Genomic context (GRCh38, chr6:75,848,446, plus strand): 5'-AGATGACCATGGTGATTTTATTAGAATGTGCACGGCTATGAAAAAAATTGGTTTGGATGA[T>A]GAAGAAAAGCTTGATCTCTTCCGGGTAGTAGCTGGCGTCCTGCACCTTGGAAATATTGAT-3'
Protein context (NP_004990.3, residues 321-341): CTAMKKIGLD[Asp331Glu]EEKLDLFRVV

ClinVar aggregate classification (germline): Uncertain significance. Review status: criteria provided, multiple submitters, no conflicts (2 of 4 stars). 2 submissions from 2 submitters: Uncertain significance (2). Last evaluated 2021-08-09.

Conditions:
Inborn genetic diseases. Identifiers: MedGen C0950123, MeSH D030342.

gnomAD v4.1: 9 of 1,613,794 alleles (0.00056%); highest among the groups gnomAD compares: Non-Finnish European, 0.00076%; no homozygotes.

Submissions (2):

Ambry Genetics
Classification: Uncertain significance for Inborn genetic diseases. Last evaluated: 2021-08-09. Review status: criteria provided, single submitter. Criteria: Ambry Variant Classification Scheme 2023. Collection method: clinical testing. Allele origin: germline.

GeneDx
Classification: Uncertain significance. Last evaluated: 2020-10-29. Review status: criteria provided, single submitter. Criteria: GeneDx Variant Classification Process June 2021. Collection method: clinical testing. Allele origin: germline. Affected: yes.
Comment: In silico analysis supports that this missense variant does not alter protein structure/function; Has not been previously published as pathogenic or benign to our knowledge